The following is an entry in ClinVar:

NM_182961.4(SYNE1):c.2974C>A (p.Gln992Lys)

Gene: SYNE1 (spectrin repeat containing nuclear envelope protein 1; minus strand). Cytogenetic location: 6q25.2.
Variant type: single nucleotide variant.
Coding change: c.2974C>A on transcript NM_182961.4 (MANE Select); coding-DNA position 2974, C replaced by A.
Protein change: p.Gln992Lys; replaces glutamine 992 with lysine.
Molecular consequence: missense variant.
Genome position (GRCh38, 1-based): chr6:152,453,639, G>T on the plus strand (C>A on the coding strand, the complement: SYNE1 is on the minus strand). VCF-style: chr6-152453639-G-T. GRCh37 (hg19) VCF-style: chr6-152774774-G-T.
Other names: c.2995C>A, p.Gln999Lys (NM_033071.5); short protein forms Q999K, Q992K.
Identifiers: ClinVar variation 2039057 (VCV002039057.4), dbSNP rs769863065, ClinGen allele CA4058979.

ClinVar aggregate classification (germline): Uncertain significance (1 of 4 stars; one submission).

Conditions:
Emery-Dreifuss muscular dystrophy 4, autosomal dominant (EDMD4). Also called: EMERY-DREIFUSS MUSCULAR DYSTROPHY 4 WITH VARIABLE FEATURES. Identifiers: Orphanet 261, MedGen C2751807, MONDO:0013071, OMIM 612998.
Autosomal recessive ataxia, Beauce type. Also called: SYNE1 Deficiency; Spinocerebellar ataxia, autosomal recessive 8; ATAXIA, RECESSIVE, OF BEAUCE; SYNE1-Related Autosomal Recessive Cerebellar Ataxia. Identifiers: Orphanet 88644, MedGen C1853116, MONDO:0012549, OMIM 610743.

Allele frequency attached by ClinVar (database versions not stated): gnomAD 0.00001; ExAC 0.00002; TOPMed 0.00002.
gnomAD v4.1: 30 of 1,614,046 alleles (0.0019%); highest among the groups gnomAD compares: Non-Finnish European, 0.0025%; no homozygotes.

Submission:

Labcorp Genetics (formerly Invitae), Labcorp
Classification: Uncertain significance for Emery-Dreifuss muscular dystrophy 4, autosomal dominant; Autosomal recessive ataxia, Beauce type. Last evaluated: 2024-06-17. Review status: criteria provided, single submitter. Criteria: Invitae Variant Classification Sherloc (09022015). Collection method: clinical testing. Allele origin: germline.
Comment: This sequence change replaces glutamine, which is neutral and polar, with lysine, which is basic and polar, at codon 999 of the SYNE1 protein (p.Gln999Lys). This variant is present in population databases (rs769863065, gnomAD 0.004%). This variant has not been reported in the literature in individuals affected with SYNE1-related conditions. ClinVar contains an entry for this variant (Variation ID: 2039057). An algorithm developed to predict the effect of missense changes on protein structure and function (PolyPhen-2) suggests that this variant is likely to be disruptive. In summary, the available evidence is currently insufficient to determine the role of this variant in disease. Therefore, it has been classified as a Variant of Uncertain Significance.